The following is an entry in ClinVar:

ClinVar aggregate classification (germline): Likely pathogenic (1 of 4 stars; one submission).

Submission:

GeneDx
Classification: Likely pathogenic. Last evaluated: 2017-07-17. Review status: criteria provided, single submitter. Criteria: GeneDx Variant Classification (06012015). Collection method: clinical testing. Allele origin: germline. Affected: yes.
Comment: A variant that is likely pathogenic has been identified in the LAMB1 gene. The c.809dupA variant is not observed in large population cohorts (Lek et al., 2016; 1000 Genomes Consortium et al., 2015; Exome Variant Server). The c.809dupA variant causes a frameshift starting with codon Asparagine 270, changes this amino acid to a Lysine residue and creates a premature Stop codon at position 19 of the new reading frame, denoted p.Asn270LysfsX19. This variant is predicted to cause loss of normal protein function either through protein truncation or nonsense-mediated mRNA decay. Therefore, this variant is likely pathogenic; however, the possibility that it is benign cannot be excluded.

NM_002291.3(LAMB1):c.809dup (p.Asn270fs)

Gene: LAMB1 (laminin subunit beta 1; minus strand). Cytogenetic location: 7q31.1.
Variant type: Duplication.
Coding change: c.809dup on transcript NM_002291.3 (MANE Select); coding-DNA position 809, one base duplicated (A; older notation c.809dupA).
Protein change: p.Asn270fs; shifts the reading frame from asparagine 270.
Molecular consequence: frameshift variant.
Genome position (GRCh38, 1-based): chr7:107,980,679, T duplicated on the plus strand (A on the coding strand, the reverse complement: LAMB1 is on the minus strand); the first of 3 consecutive T bases (chr7:107,980,679-107,980,681); duplicating any one gives the same sequence. VCF-style (leftmost placement, unchanged base first): chr7-107980678-A-AT. GRCh37 (hg19) VCF-style: chr7-107621123-A-AT.
Other names: c.809dupA (NM_002291.2); short protein forms N270fs.
Identifiers: ClinVar variation 450516 (VCV000450516.2), dbSNP rs1554411026, ClinGen allele CA658657704.